The following is an entry in ClinVar:

NM_000051.4(ATM):c.7621C>T (p.Leu2541Phe)

Genes: ATM (ATM serine/threonine kinase; plus strand), C11orf65 (chromosome 11 open reading frame 65; minus strand). Cytogenetic location: 11q22.3.
Variant type: single nucleotide variant.
Coding change: c.7621C>T on transcript NM_000051.4 (MANE Select); coding-DNA position 7621, C replaced by T.
Protein change: p.Leu2541Phe; replaces leucine 2541 with phenylalanine.
Molecular consequence: missense variant. On other transcripts: non-coding transcript variant (1), intron variant (2).
Genome position (GRCh38, 1-based): chr11:108,331,549, C>T. VCF-style: chr11-108331549-C-T. GRCh37 (hg19) VCF-style: chr11-108202276-C-T.
Other names: c.7621C>T, p.Leu2541Phe (NM_001351834.2); c.641-22478G>A (NM_001330368.2); c.*38+3671G>A (NM_001351110.2); short protein forms L2541F.
Identifiers: ClinVar variation 566181 (VCV000566181.13), dbSNP rs1565532615, ClinGen allele CA382560857.

ClinVar aggregate classification (germline): Uncertain significance. Review status: criteria provided, multiple submitters, no conflicts (2 of 4 stars). 2 submissions from 2 submitters: Uncertain significance (2). Last evaluated 2019-07-15.

Conditions:
Hereditary cancer-predisposing syndrome. Also called: Hereditary Cancer Syndrome; Neoplastic Syndromes, Hereditary; Tumor predisposition; Hereditary neoplastic syndrome. Identifiers: Orphanet 140162, MedGen C0027672, MeSH D009386, MONDO:0015356.
Ataxia-telangiectasia syndrome (AT). Also called: Cerebello-oculocutaneous telangiectasia; Immunodeficiency with ataxia telangiectasia; Ataxia-telangiectasia, complementation group E; Ataxia-telangiectasia, complementation group D; AT, COMPLEMENTATION GROUP C; ATAXIA-TELANGIECTASIA, COMPLEMENTATION GROUP A. Identifiers: Orphanet 100, MedGen C0004135, MONDO:0008840, OMIM 208900.

Submissions (2):

Ambry Genetics
Classification: Uncertain significance for Hereditary cancer-predisposing syndrome. Last evaluated: 2019-07-15. Review status: criteria provided, single submitter. Criteria: Ambry Variant Classification Scheme 2023. Collection method: clinical testing. Allele origin: germline.
Comment: The p.L2541F variant (also known as c.7621C>T), located in coding exon 50 of the ATM gene, results from a C to T substitution at nucleotide position 7621. The leucine at codon 2541 is replaced by phenylalanine, an amino acid with highly similar properties. This amino acid position is highly conserved in available vertebrate species. In addition, this alteration is predicted to be deleterious by in silico analysis. Since supporting evidence is limited at this time, the clinical significance of this alteration remains unclear.

Labcorp Genetics (formerly Invitae), Labcorp
Classification: Uncertain significance for Ataxia-telangiectasia syndrome. Last evaluated: 2018-03-05. Review status: criteria provided, single submitter. Criteria: Invitae Variant Classification Sherloc (09022015). Collection method: clinical testing. Allele origin: germline.
Comment: In summary, the available evidence is currently insufficient to determine the role of this variant in disease. Therefore, it has been classified as a Variant of Uncertain Significance. Algorithms developed to predict the effect of missense changes on protein structure and function do not agree on the potential impact of this missense change (SIFT: "Deleterious"; PolyPhen-2: "Possibly Damaging"; Align-GVGD: "Class C15"). This variant has not been reported in the literature in individuals with ATM-related disease. This variant is not present in population databases (ExAC no frequency). This sequence change replaces leucine with phenylalanine at codon 2541 of the ATM protein (p.Leu2541Phe). The leucine residue is highly conserved and there is a small physicochemical difference between leucine and phenylalanine.